The following is an entry in ClinVar:

ClinVar aggregate classification (germline): Uncertain significance (1 of 4 stars; one submission).

gnomAD v4.1: 1 of 1,552,244 alleles (0.000064%); highest among the groups gnomAD compares: Non-Finnish European, 0.000087%; no homozygotes.

Submission:

Labcorp Genetics (formerly Invitae), Labcorp
Classification: Uncertain significance. Last evaluated: 2024-03-27. Review status: criteria provided, single submitter. Criteria: Invitae Variant Classification Sherloc (09022015). Collection method: clinical testing. Allele origin: germline.
Comment: This sequence change replaces leucine, which is neutral and non-polar, with valine, which is neutral and non-polar, at codon 827 of the ZSWIM6 protein (p.Leu827Val). This variant is present in population databases (no rsID available, gnomAD 0.002%). This variant has not been reported in the literature in individuals affected with ZSWIM6-related conditions. Advanced modeling of protein sequence and biophysical properties (such as structural, functional, and spatial information, amino acid conservation, physicochemical variation, residue mobility, and thermodynamic stability) performed at Invitae indicates that this missense variant is not expected to disrupt ZSWIM6 protein function with a negative predictive value of 80%. In summary, the available evidence is currently insufficient to determine the role of this variant in disease. Therefore, it has been classified as a Variant of Uncertain Significance.

NM_020928.2(ZSWIM6):c.2479C>G (p.Leu827Val)

Gene: ZSWIM6 (zinc finger SWIM-type containing 6; plus strand). Cytogenetic location: 5q12.1.
Variant type: single nucleotide variant.
Coding change: c.2479C>G on transcript NM_020928.2 (MANE Select); coding-DNA position 2479, C replaced by G.
Protein change: p.Leu827Val; replaces leucine 827 with valine.
Molecular consequence: missense variant.
Genome position (GRCh38, 1-based): chr5:61,538,911, C>G. VCF-style: chr5-61538911-C-G. GRCh37 (hg19) VCF-style: chr5-60834738-C-G.
Other names: short protein forms L827V.
Identifiers: ClinVar variation 3678669 (VCV003678669.2).